The following is an entry in ClinVar:

ClinVar aggregate classification (germline): Uncertain significance (1 of 4 stars; one submission).

Submission:

Labcorp Genetics (formerly Invitae), Labcorp
Classification: Uncertain significance. Last evaluated: 2024-02-17. Review status: criteria provided, single submitter. Criteria: Invitae Variant Classification Sherloc (09022015). Collection method: clinical testing. Allele origin: germline.
Comment: This sequence change replaces alanine, which is neutral and non-polar, with threonine, which is neutral and polar, at codon 1023 of the ARHGEF10 protein (p.Ala1023Thr). This variant is present in population databases (rs147809100, gnomAD 0.1%), and has an allele count higher than expected for a pathogenic variant. This variant has not been reported in the literature in individuals affected with ARHGEF10-related conditions. ClinVar contains an entry for this variant (Variation ID: 2060872). Advanced modeling of protein sequence and biophysical properties (such as structural, functional, and spatial information, amino acid conservation, physicochemical variation, residue mobility, and thermodynamic stability) performed at Invitae indicates that this missense variant is not expected to disrupt ARHGEF10 protein function with a negative predictive value of 80%. In summary, the available evidence is currently insufficient to determine the role of this variant in disease. Therefore, it has been classified as a Variant of Uncertain Significance.

NM_014629.4(ARHGEF10):c.3067G>A (p.Ala1023Thr)

Gene: ARHGEF10 (Rho guanine nucleotide exchange factor 10; plus strand). Cytogenetic location: 8p23.3.
Variant type: single nucleotide variant.
Coding change: c.3067G>A on transcript NM_014629.4 (MANE Select); coding-DNA position 3067, G replaced by A.
Protein change: p.Ala1023Thr; replaces alanine 1023 with threonine.
Molecular consequence: missense variant.
Genome position (GRCh38, 1-based): chr8:1,929,431, G>A. VCF-style: chr8-1929431-G-A. GRCh37 (hg19) VCF-style: chr8-1877597-G-A.
Other names: c.2953G>A, p.Ala985Thr (NM_001308152.2); c.3067G>A, p.Ala1023Thr (NM_001308153.3); short protein forms A1047T, A985T, A1023T.
Identifiers: ClinVar variation 2060872 (VCV002060872.4), dbSNP rs147809100, ClinGen allele CA4601174.